The following is an entry in ClinVar:

ClinVar aggregate classification (germline): Uncertain significance (1 of 4 stars; one submission).

gnomAD v4.1: 60 of 1,567,120 alleles (0.0038%); highest among the groups gnomAD compares: Non-Finnish European, 0.0048%; no homozygotes.

Submission:

GeneDx
Classification: Uncertain significance. Last evaluated: 2026-07-20. Review status: criteria provided, single submitter. Criteria: GeneDx Variant Classification Process June 2021. Collection method: clinical testing. Allele origin: germline.
Comment: Not observed at significant frequency in large population cohorts (gnomAD); In silico analysis suggests that this missense variant does not alter protein structure/function; Has not been previously published as pathogenic or benign to our knowledge

NM_025233.7(COASY):c.80C>T (p.Thr27Ile)

Gene: COASY (Coenzyme A synthase; plus strand). Cytogenetic location: 17q21.2.
Variant type: single nucleotide variant.
Coding change: c.80C>T on transcript NM_025233.7 (MANE Select); coding-DNA position 80, C replaced by T.
Protein change: p.Thr27Ile; replaces threonine 27 with isoleucine.
Molecular consequence: missense variant.
Genome position (GRCh38, 1-based): chr17:42,562,702, C>T. VCF-style: chr17-42562702-C-T. GRCh37 (hg19) VCF-style: chr17-40714720-C-T.
Other names: c.80C>T, p.Thr27Ile (NM_001042529.3); c.167C>T, p.Thr56Ile (NM_001042532.4); short protein forms T27I, T56I.
Identifiers: ClinVar variation 3370062 (VCV003370062.2).
Genomic context (GRCh38, chr17:42,562,702, plus strand): 5'-GTCTCCTGGTGCTGACGACGCCGCTGGCCTCCCTAGCCCCTCGCCTGGCCTCCATCCTGA[C>T]CTCGGCGGCCCGGCTGGTGAATCACACACTCTATGTTCACCTGCAGCCGGGCATGAGCCT-3'
Protein context (NP_079509.5, residues 17-37): SLAPRLASIL[Thr27Ile]SAARLVNHTL